The following is an entry in ClinVar:

NM_001128425.2(MUTYH):c.-3G>T

Genes: MUTYH (mutY DNA glycosylase; minus strand), TOE1 (target of EGR1, exonuclease; plus strand). Cytogenetic location: 1p34.1.
Variant type: single nucleotide variant.
Coding change: c.-3G>T on transcript NM_001128425.2 (MANE Plus Clinical); 3 bases upstream of the start codon, G replaced by T.
Molecular consequence: 5 prime UTR variant. On other transcripts: non-coding transcript variant (3), missense variant (1).
Genome position (GRCh38, 1-based): chr1:45,340,257, C>A on the plus strand (G>T on the coding strand, the complement: MUTYH is on the minus strand). VCF-style: chr1-45340257-C-A. GRCh37 (hg19) VCF-style: chr1-45805929-C-A.
Other names: c.-61G>T (NM_001407070.1, NM_001407071.1); c.-41G>T (NM_001407072.1); c.-3G>T (NM_001407073.1, NM_012222.3, NM_001293190.2 and 1 more transcripts); c.5C>A, p.Ala2Asp (NM_025077.4); c.-45G>T (NM_001048171.2); c.-257G>T (NM_001293192.2); c.-316G>T (NM_001350650.2); c.-252G>T (NM_001350651.2); short protein forms A2D.
Identifiers: ClinVar variation 490028 (VCV000490028.10), dbSNP rs748689064, ClinGen allele CA340137943.
Genomic context (GRCh38, chr1:45,340,257, plus strand): 5'-ACGGACCGCAAGTCCAGCGTACCCACAGACGACTCAGGCGGGAGACGAGCGGTGTCATGG[C>A]CGCCGACAGTGACGATGGCGCAGTTTCAGCTCCCGCAGCTTCCGACGGTGAGCGGCTTCC-3'

ClinVar aggregate classification (germline): Uncertain significance. Review status: criteria provided, multiple submitters, no conflicts (2 of 4 stars). 3 submissions from 3 submitters: Uncertain significance (3). Last evaluated 2025-12-01.

Conditions:
Hereditary cancer-predisposing syndrome. Also called: Neoplastic Syndromes, Hereditary; Hereditary Cancer Syndrome; Tumor predisposition; Hereditary neoplastic syndrome. Identifiers: Orphanet 140162, MedGen C0027672, MeSH D009386, MONDO:0015356.
Familial adenomatous polyposis 2. Also called: FAP type 2; COLORECTAL ADENOMATOUS POLYPOSIS, AUTOSOMAL RECESSIVE; MYH-associated polyposis; MUTYH-associated polyposis; Adenomas, multiple colorectal; ADENOMAS, MULTIPLE COLORECTAL, AUTOSOMAL RECESSIVE. Identifiers: Orphanet 220460, Orphanet 247798, MedGen C3272841, MONDO:0012041, OMIM 608456.

gnomAD v4.1: 16 of 1,613,788 alleles (0.00099%); highest among the groups gnomAD compares: Non-Finnish European, 0.0014%; no homozygotes.

Submissions (3):

Ambry Genetics
Classification: Uncertain significance for Hereditary cancer-predisposing syndrome. Last evaluated: 2025-12-01. Review status: criteria provided, single submitter. Criteria: Ambry Variant Classification Scheme 2023. Collection method: clinical testing. Allele origin: germline.
Comment: The c.-3G>T variant is located in the 5' untranslated region (5&rsquo; UTR) of the MUTYH gene. This variant results from a G to T substitution 3 bases upstream from the first translated codon. This nucleotide position is highly conserved in available vertebrate species. Since supporting evidence is limited at this time, the clinical significance of this alteration remains unclear.

All of Us Research Program, National Institutes of Health
Classification: Uncertain significance for Familial adenomatous polyposis 2. Last evaluated: 2023-07-10. Review status: criteria provided, single submitter. Criteria: ACMG Guidelines, 2015. Collection method: clinical testing. Allele origin: germline. Inheritance: Autosomal recessive inheritance. Observed: 1 variant allele, 1 heterozygote.
Comment: This variant causes a G to T nucleotide substitution at the -3 position in the 5' untranslated region in the MUTYH gene. To our knowledge, functional studies have not been reported for this variant. This variant has not been reported in individuals affected with MUTYH-related disorders in the literature. This variant has not been identified in the general population by the Genome Aggregation Database (gnomAD). The available evidence is insufficient to determine the role of this variant in disease conclusively. Therefore, this variant is classified as a Variant of Uncertain Significance.

This study involves interpretation of variants in research participants for the purpose of population health screening. Participant phenotype was not available at the time of variant classification. Additional details can be found in publication PMID: 35346344, PMCID: PMC8962531

Color Diagnostics, LLC DBA Color Health
Classification: Uncertain significance for Hereditary cancer-predisposing syndrome. Last evaluated: 2023-06-21. Review status: criteria provided, single submitter. Criteria: ACMG Guidelines, 2015. Collection method: clinical testing. Allele origin: germline.
Comment: This variant causes a G to T nucleotide substitution at the -3 position in the 5' untranslated region in the MUTYH gene. To our knowledge, functional studies have not been reported for this variant. This variant has not been reported in individuals affected with MUTYH-related disorders in the literature. This variant has not been identified in the general population by the Genome Aggregation Database (gnomAD). The available evidence is insufficient to determine the role of this variant in disease conclusively. Therefore, this variant is classified as a Variant of Uncertain Significance.